The following is an entry in ClinVar:

ClinVar aggregate classification (germline): Uncertain significance (1 of 4 stars; one submission).

Submission:

GeneDx
Classification: Uncertain significance. Last evaluated: 2024-10-11. Review status: criteria provided, single submitter. Criteria: GeneDx Variant Classification Process June 2021. Collection method: clinical testing. Allele origin: germline.
Comment: Not observed at significant frequency in large population cohorts (gnomAD); In silico analysis indicates that this missense variant does not alter protein structure/function; Has not been previously published as pathogenic or benign to our knowledge

NM_006015.6(ARID1A):c.704G>A (p.Arg235Lys)

Genes: ARID1A (AT-rich interaction domain 1A; plus strand), LOC129929837 (ATAC-STARR-seq lymphoblastoid silent region 489; plus strand). Cytogenetic location: 1p36.11.
Variant type: single nucleotide variant.
Coding change: c.704G>A on transcript NM_006015.6 (MANE Select); coding-DNA position 704, G replaced by A.
Protein change: p.Arg235Lys; replaces arginine 235 with lysine.
Molecular consequence: missense variant.
Genome position (GRCh38, 1-based): chr1:26,697,107, G>A. VCF-style: chr1-26697107-G-A. GRCh37 (hg19) VCF-style: chr1-27023598-G-A.
Other names: c.704G>A, p.Arg235Lys (NM_139135.4); short protein forms R235K.
Identifiers: ClinVar variation 2573802 (VCV002573802.2), dbSNP rs2124743172, ClinGen allele CA339266128.
Genomic context (GRCh38, chr1:26,697,107, plus strand): 5'-ACTACCCCAACCGCAGCGCCTACCCCCCGCCCGCCCCGGCCTACGCGCTGAGCTCCCCGA[G>A]AGGTGGCACTCCGGGCTCCGGCGCGGCGGCGGCTGCCGGCTCCAAGCCGCCTCCCTCCTC-3'
Protein context (NP_006006.3, residues 225-245): PAPAYALSSP[Arg235Lys]GGTPGSGAAA